The following is an entry in ClinVar:

NM_015331.3(NCSTN):c.1609A>G (p.Ile537Val)

Gene: NCSTN (nicastrin; plus strand). Cytogenetic location: 1q23.2.
Variant type: single nucleotide variant.
Coding change: c.1609A>G on transcript NM_015331.3 (MANE Select); coding-DNA position 1609, A replaced by G.
Protein change: p.Ile537Val; replaces isoleucine 537 with valine.
Molecular consequence: missense variant.
Genome position (GRCh38, 1-based): chr1:160,356,317, A>G. VCF-style: chr1-160356317-A-G. GRCh37 (hg19) VCF-style: chr1-160326107-A-G.
Other names: c.1549A>G, p.Ile517Val (NM_001290184.2); c.1195A>G, p.Ile399Val (NM_001290186.2); c.1609A>G, p.Ile537Val (NM_001349729.2); short protein forms I517V, I537V, I399V.
Identifiers: ClinVar variation 2070552 (VCV002070552.4), dbSNP rs1190484588, ClinGen allele CA343282560.

ClinVar aggregate classification (germline): Uncertain significance (1 of 4 stars; one submission).

Allele frequency attached by ClinVar (database versions not stated): gnomAD exomes below 0.00001; TOPMed below 0.00001; gnomAD 0.00001.
gnomAD v4.1: 4 of 1,613,524 alleles (0.00025%); highest among the groups gnomAD compares: East Asian, 0.0067%; no homozygotes.

Submission:

Labcorp Genetics (formerly Invitae), Labcorp
Classification: Uncertain significance. Last evaluated: 2026-01-12. Review status: criteria provided, single submitter. Criteria: Invitae Variant Classification Sherloc (09022015). Collection method: clinical testing. Allele origin: germline.
Comment: This sequence change replaces isoleucine, which is neutral and non-polar, with valine, which is neutral and non-polar, at codon 537 of the NCSTN protein (p.Ile537Val). This variant is present in population databases (no rsID available, gnomAD 0.01%). This variant has not been reported in the literature in individuals affected with NCSTN-related conditions. ClinVar contains an entry for this variant (Variation ID: 2070552). Invitae Evidence Modeling of protein sequence and biophysical properties (such as structural, functional, and spatial information, amino acid conservation, physicochemical variation, residue mobility, and thermodynamic stability) indicates that this missense variant is not expected to disrupt NCSTN protein function with a negative predictive value of 80%. In summary, the available evidence is currently insufficient to determine the role of this variant in disease. Therefore, it has been classified as a Variant of Uncertain Significance.